The following is an entry in ClinVar:

NM_002439.5(MSH3):c.889_890delinsGG (p.Leu297Gly)

Gene: MSH3 (mutS homolog 3; plus strand). Cytogenetic location: 5q14.1.
Variant type: Indel.
Coding change: c.889_890delinsGG on transcript NM_002439.5 (MANE Select); coding-DNA positions 889 to 890, CT replaced by GG.
Protein change: p.Leu297Gly; replaces leucine 297 with glycine.
Molecular consequence: missense variant.
Genome position (GRCh38, 1-based): chr5:80,672,340-80,672,341, CT replaced by GG. VCF-style: chr5-80672340-CT-GG. GRCh37 (hg19) VCF-style: chr5-79968159-CT-GG.
Other names: short protein forms L297G.
Identifiers: ClinVar variation 3643367 (VCV003643367.2).
Genomic context (GRCh38, chr5:80,672,340, plus strand): 5'-GATCACAACTTTATGACAGCAAGTATACCTACTCACAGACTGTTTGTTCATGTACGCCGC[CT>GG]GGTGGCAAAAGGATATAAGGTCAGCTTTGGCTTTAACTTGTGGGGAAAGGAAATTGGGAT-3'
Protein context (NP_002430.3, residues 287-307): THRLFVHVRR[Leu297Gly]VAKGYKVGVV

ClinVar aggregate classification (germline): Uncertain significance (1 of 4 stars; one submission).

Submission:

Labcorp Genetics (formerly Invitae), Labcorp
Classification: Uncertain significance. Last evaluated: 2024-02-26. Review status: criteria provided, single submitter. Criteria: Invitae Variant Classification Sherloc (09022015). Collection method: clinical testing. Allele origin: germline.
Comment: This sequence change replaces leucine, which is neutral and non-polar, with glycine, which is neutral and non-polar, at codon 297 of the MSH3 protein (p.Leu297Gly). Information on the frequency of this variant in the gnomAD database is not available, as this variant may be reported differently in the database. This variant has not been reported in the literature in individuals affected with MSH3-related conditions. An algorithm developed to predict the effect of missense changes on protein structure and function (PolyPhen-2) suggests that this variant is likely to be disruptive. In summary, the available evidence is currently insufficient to determine the role of this variant in disease. Therefore, it has been classified as a Variant of Uncertain Significance.